The following is an entry in ClinVar:

NM_000543.5(SMPD1):c.1341-10_1429dup

Gene: SMPD1 (sphingomyelin phosphodiesterase 1; plus strand). Cytogenetic location: 11p15.4.
Variant type: Duplication.
Coding change: c.1341-10_1429dup on transcript NM_000543.5 (MANE Select); 10 bases into the intron before coding-DNA position 1341 through coding-DNA position 1429, 99 bases duplicated.
Molecular consequence: splice acceptor variant.
Genome position (GRCh38, 1-based): chr11:6,393,886-6,393,984, 99 bases duplicated. GRCh37 (hg19): chr11:6,415,116-6,415,214.
Other names: c.420-10_508dup (NM_001318088.2); c.1209-10_1297dup (NM_001365135.2); c.1341-10_1429dup (NM_001318087.2); c.1338-10_1426dup (NM_001007593.3).
Identifiers: ClinVar variation 375244 (VCV000375244.4), dbSNP rs1554935254, ClinGen allele CA16044016.

ClinVar aggregate classification (germline): Likely pathogenic. Review status: criteria provided, single submitter (1 of 4 stars). 2 submissions from 2 submitters: Likely pathogenic (1). 1 of the submissions does not count toward it. Last evaluated 2021-04-25.

Conditions:
Niemann-Pick disease, type A. Also called: Infantile Neurovisceral ASMD (Niemann-Pick Disease Type A; NPD-A); SPHINGOMYELIN LIPIDOSIS; SPHINGOMYELINASE DEFICIENCY. Identifiers: Orphanet 77292, MedGen C0268242, MONDO:0009756, OMIM 257200. Disease mechanism: loss of function.

Submissions (2):

Diagnostics Division, CENTRE FOR DNA FINGERPRINTING AND DIAGNOSTICS
Classification: Likely pathogenic for Niemann-Pick disease, type A. Last evaluated: 2021-04-25. Review status: criteria provided, single submitter. Criteria: ACMG Guidelines, 2015. Collection method: research. Allele origin: germline. Affected: yes. Observed: 1 variant allele.

Manipal Hospitals, Manipal Hospital
Classification: Likely pathogenic for Niemann-Pick disease, type A. Review status: no assertion criteria provided. Collection method: clinical testing. Allele origin: germline. Affected: no. Observed: 2 variant alleles. Not counted in ClinVar's aggregate classification.
Comment: Identified in the heterozygous state in both parents of two affected children who died of Niemann Pick Disease. SMPD1 gene sequencing of the parents was negative, but the heterozygous duplication of Exon 5 in SMPD1 was identified by MLPA.